The following is an entry in ClinVar:

ClinVar aggregate classification (germline): Uncertain significance (1 of 4 stars; one submission).

Conditions:
NCOA1-related disorder. Also called: NCOA1-related condition.

Submission:

PreventionGenetics, part of Exact Sciences
Classification: Uncertain significance for NCOA1-related condition. Last evaluated: 2025-05-19. Review status: criteria provided, single submitter. Criteria: ACMG Guidelines, 2015. Collection method: clinical testing. Allele origin: germline.
Comment: The NCOA1 c.4075C>T variant is predicted to result in the amino acid substitution p.Pro1359Ser. To our knowledge, this variant has not been reported in the literature. This variant is reported in 0.0056% of alleles in individuals of Latino descent in gnomAD. At this time, the clinical significance of this variant is uncertain due to the absence of conclusive functional and genetic evidence.

NM_003743.5(NCOA1):c.4075C>T (p.Pro1359Ser)

Gene: NCOA1 (nuclear receptor coactivator 1; plus strand). Cytogenetic location: 2p23.3.
Variant type: single nucleotide variant.
Coding change: c.4075C>T on transcript NM_003743.5 (MANE Select); coding-DNA position 4075, C replaced by T.
Protein change: p.Pro1359Ser; replaces proline 1359 with serine.
Molecular consequence: missense variant.
Genome position (GRCh38, 1-based): chr2:24,762,696, C>T. VCF-style: chr2-24762696-C-T. GRCh37 (hg19) VCF-style: chr2-24985565-C-T.
Other names: c.4075C>T, p.Pro1359Ser (NM_001362950.1, NM_001362952.1, NM_001362954.1 and 3 more transcripts); short protein forms P1359S.
Identifiers: ClinVar variation 3357445 (VCV003357445.2).